The following is an entry in ClinVar:

NM_020297.4(ABCC9):c.496C>T (p.Arg166Cys)

Gene: ABCC9 (ATP binding cassette subfamily C member 9; minus strand). Cytogenetic location: 12p12.1.
Variant type: single nucleotide variant.
Coding change: c.496C>T on transcript NM_020297.4 (MANE Select); coding-DNA position 496, C replaced by T.
Protein change: p.Arg166Cys; replaces arginine 166 with cysteine.
Molecular consequence: missense variant. On other transcripts: intron variant (1).
Genome position (GRCh38, 1-based): chr12:21,917,014, G>A on the plus strand (C>T on the coding strand, the complement: ABCC9 is on the minus strand). VCF-style: chr12-21917014-G-A. GRCh37 (hg19) VCF-style: chr12-22069948-G-A.
Other names: c.496C>T, p.Arg166Cys (NM_001377273.1, NM_005691.4); c.-48-3948C>T (NM_001377274.1); short protein forms R166C.
Identifiers: ClinVar variation 1744452 (VCV001744452.5), dbSNP rs1948625322, ClinGen allele CA384125549.

ClinVar aggregate classification (germline): Uncertain significance. Review status: criteria provided, multiple submitters, no conflicts (2 of 4 stars). 2 submissions from 2 submitters: Uncertain significance (2). Last evaluated 2024-01-04.

Conditions:
Dilated cardiomyopathy 1O (CMD1O). Also called: CARDIOMYOPATHY, DILATED, WITH VENTRICULAR TACHYCARDIA. Identifiers: Orphanet 154, MedGen C1837839, MONDO:0012062, OMIM 608569.
Cardiovascular phenotype. Identifiers: MedGen CN230736.

Allele frequency attached by ClinVar (database versions not stated): gnomAD exomes below 0.00001.

Submissions (2):

Labcorp Genetics (formerly Invitae), Labcorp
Classification: Uncertain significance for Dilated cardiomyopathy 1O. Last evaluated: 2024-01-04. Review status: criteria provided, single submitter. Criteria: Invitae Variant Classification Sherloc (09022015). Collection method: clinical testing. Allele origin: germline.
Comment: This sequence change replaces arginine, which is basic and polar, with cysteine, which is neutral and slightly polar, at codon 166 of the ABCC9 protein (p.Arg166Cys). This variant is not present in population databases (gnomAD no frequency). This variant has not been reported in the literature in individuals affected with ABCC9-related conditions. ClinVar contains an entry for this variant (Variation ID: 1744452). Advanced modeling of protein sequence and biophysical properties (such as structural, functional, and spatial information, amino acid conservation, physicochemical variation, residue mobility, and thermodynamic stability) performed at Invitae indicates that this missense variant is expected to disrupt ABCC9 protein function with a positive predictive value of 80%. Algorithms developed to predict the effect of sequence changes on RNA splicing suggest that this variant may disrupt the consensus splice site. In summary, the available evidence is currently insufficient to determine the role of this variant in disease. Therefore, it has been classified as a Variant of Uncertain Significance.

Ambry Genetics
Classification: Uncertain significance for Cardiovascular phenotype. Last evaluated: 2022-07-25. Review status: criteria provided, single submitter. Criteria: Ambry Variant Classification Scheme 2023. Collection method: clinical testing. Allele origin: germline.
Comment: The p.R166C variant (also known as c.496C>T), located in coding exon 4 of the ABCC9 gene, results from a C to T substitution at nucleotide position 496. The arginine at codon 166 is replaced by cysteine, an amino acid with highly dissimilar properties. This amino acid position is highly conserved in available vertebrate species. In addition, this alteration is predicted to be deleterious by in silico analysis. Since supporting evidence is limited at this time, the clinical significance of this alteration remains unclear.